The following is an entry in ClinVar:

NM_002294.3(LAMP2):c.*1071G>T

Gene: LAMP2 (lysosome associated membrane protein 2; minus strand). Cytogenetic location: Xq24.
Variant type: single nucleotide variant.
Coding change: c.*1071G>T on transcript NM_002294.3 (MANE Select); 1071 bases downstream of the stop codon, G replaced by T.
Molecular consequence: 3 prime UTR variant. On other transcripts: intron variant (1).
Genome position (GRCh38, 1-based): chrX:120,430,252, C>A on the plus strand (G>T on the coding strand, the complement: LAMP2 is on the minus strand). VCF-style: chrX-120430252-C-A. GRCh37 (hg19) VCF-style: chrX-119564107-C-A.
Other names: c.1094-1626G>T (NM_001122606.1).
Identifiers: ClinVar variation 367775 (VCV000367775.6), dbSNP rs2285548, ClinGen allele CA10654239.

ClinVar aggregate classification (germline): Benign (1 of 4 stars; one submission).

Conditions:
Danon disease. Also called: ANTOPOL DISEASE; PSEUDOGLYCOGENOSIS II; GSD IIb; LYSOSOMAL GLYCOGEN STORAGE DISEASE WITHOUT ACID MALTASE DEFICIENCY; Glycogen Storage Disease Type IIb. Identifiers: Orphanet 34587, MedGen C0878677, MONDO:0010281, OMIM 300257.

Allele frequency attached by ClinVar (database versions not stated): gnomAD exomes 0.00321; gnomAD 0.03320 and 0.03391; TOPMed 0.03754; 1000 Genomes Project 0.05483; 1000 Genomes Project 30x 0.05557.

Submission:

Illumina Laboratory Services, Illumina
Classification: Benign for Danon disease. Last evaluated: 2018-01-13. Review status: criteria provided, single submitter. Criteria: ICSL Variant Classification Criteria 13 December 2019. Collection method: clinical testing. Allele origin: germline.
Comment: This variant was observed in the ICSL laboratory as part of a predisposition screen in an ostensibly healthy population. It had not been previously curated by ICSL or reported in the Human Gene Mutation Database (HGMD: prior to June 1st, 2018), and was therefore a candidate for classification through an automated scoring system. Utilizing variant allele frequency, disease prevalence and penetrance estimates, and inheritance mode, an automated score was calculated to assess if this variant is too frequent to cause the disease. Based on the score and internal cut-off values, a variant classified as benign is not then subjected to further curation. The score for this variant resulted in a classification of benign for this disease.